The following is an entry in ClinVar:

NM_001036.6(RYR3):c.2675G>A (p.Gly892Asp)

Gene: RYR3 (ryanodine receptor 3; plus strand). Cytogenetic location: 15q14.
Variant type: single nucleotide variant.
Coding change: c.2675G>A on transcript NM_001036.6 (MANE Select); coding-DNA position 2675, G replaced by A.
Protein change: p.Gly892Asp; replaces glycine 892 with aspartic acid.
Molecular consequence: missense variant.
Genome position (GRCh38, 1-based): chr15:33,628,571, G>A. VCF-style: chr15-33628571-G-A. GRCh37 (hg19) VCF-style: chr15-33920772-G-A.
Other names: c.2675G>A, p.Gly892Asp (NM_001243996.4); short protein forms G892D.
Identifiers: ClinVar variation 530962 (VCV000530962.11), dbSNP rs1265752109, ClinGen allele CA391569541.

ClinVar aggregate classification (germline): Uncertain significance (1 of 4 stars; one submission).

Conditions:
Epileptic encephalopathy. Identifiers: MedGen C0543888, HP:0200134.

Allele frequency attached by ClinVar (database versions not stated): gnomAD exomes below 0.00001; TOPMed 0.00001.
gnomAD v4.1: 2 of 1,606,530 alleles (0.00012%); highest among the groups gnomAD compares: Admixed American, 0.0017%; no homozygotes.

Submission:

Labcorp Genetics (formerly Invitae), Labcorp
Classification: Uncertain significance for Epileptic encephalopathy. Last evaluated: 2019-11-27. Review status: criteria provided, single submitter. Criteria: Invitae Variant Classification Sherloc (09022015). Collection method: clinical testing. Allele origin: germline.
Comment: This variant has not been reported in the literature in individuals with RYR3-related disease. This variant is not present in population databases (ExAC no frequency). This sequence change replaces glycine with aspartic acid at codon 892 of the RYR3 protein (p.Gly892Asp). The glycine residue is highly conserved and there is a moderate physicochemical difference between glycine and aspartic acid. In summary, the available evidence is currently insufficient to determine the role of this variant in disease. Therefore, it has been classified as a Variant of Uncertain Significance. Algorithms developed to predict the effect of missense changes on protein structure and function (SIFT, PolyPhen-2, Align-GVGD) all suggest that this variant is likely to be disruptive, but these predictions have not been confirmed by published functional studies and their clinical significance is uncertain.